The following is an entry in ClinVar:

ClinVar aggregate classification (germline): Uncertain significance. Review status: criteria provided, multiple submitters, no conflicts (2 of 4 stars). 3 submissions from 3 submitters: Uncertain significance (3). Last evaluated 2024-11-18.

Conditions:
Hereditary cancer-predisposing syndrome. Also called: Hereditary neoplastic syndrome; Neoplastic Syndromes, Hereditary; Tumor predisposition; Hereditary Cancer Syndrome. Identifiers: Orphanet 140162, MedGen C0027672, MeSH D009386, MONDO:0015356.
Peutz-Jeghers syndrome (PJS). Also called: POLYPOSIS, HAMARTOMATOUS INTESTINAL; POLYPS-AND-SPOTS SYNDROME; Peutz-Jeghers polyposis; Periorificial lentiginosis syndrome. Identifiers: Orphanet 2869, MedGen C0031269, MeSH D010580, MONDO:0008280, OMIM 175200.

Submissions (3):

Labcorp Genetics (formerly Invitae), Labcorp
Classification: Uncertain significance for Peutz-Jeghers syndrome. Last evaluated: 2024-11-18. Review status: criteria provided, single submitter. Criteria: Invitae Variant Classification Sherloc (09022015). Collection method: clinical testing. Allele origin: germline.
Comment: This sequence change replaces serine, which is neutral and polar, with tryptophan, which is neutral and slightly polar, at codon 69 of the STK11 protein (p.Ser69Trp). This variant is not present in population databases (gnomAD no frequency). This variant has not been reported in the literature in individuals affected with STK11-related conditions. ClinVar contains an entry for this variant (Variation ID: 484998). Invitae Evidence Modeling of protein sequence and biophysical properties (such as structural, functional, and spatial information, amino acid conservation, physicochemical variation, residue mobility, and thermodynamic stability) has been performed for this missense variant. However, the output from this modeling did not meet the statistical confidence thresholds required to predict the impact of this variant on STK11 protein function. In summary, the available evidence is currently insufficient to determine the role of this variant in disease. Therefore, it has been classified as a Variant of Uncertain Significance.

Genome-Nilou Lab
Classification: Uncertain significance for Peutz-Jeghers syndrome. Last evaluated: 2021-07-15. Review status: criteria provided, single submitter. Criteria: ACMG Guidelines, 2015. Collection method: clinical testing. Allele origin: germline. Affected: no.

Ambry Genetics
Classification: Uncertain significance for Hereditary cancer-predisposing syndrome. Last evaluated: 2016-06-02. Review status: criteria provided, single submitter. Criteria: Ambry Variant Classification Scheme 2023. Collection method: clinical testing. Allele origin: germline.
Comment: The p.S69W variant (also known as c.206C>G), located in coding exon 1 of the STK11 gene, results from a C to G substitution at nucleotide position 206. The serine at codon 69 is replaced by tryptophan, an amino acid with highly dissimilar properties. This variant was not reported in population based cohorts in the following databases: Database of Single Nucleotide Polymorphisms (dbSNP), NHLBI Exome Sequencing Project (ESP), and 1000 Genomes Project. In the ESP, this variant was not observed in 6289 samples (12578 alleles) with coverage at this position. To date, this alteration has been detected with an allele frequency of approximately 0.001% (greater than 125000 alleles tested) in our clinical cohort. This amino acid position is not well conserved in available vertebrate species. In addition, the in silico prediction for this alteration is inconclusive. Since supporting evidence is limited at this time, the clinical significance of this alteration remains unclear.

NM_000455.5(STK11):c.206C>G (p.Ser69Trp)

Gene: STK11 (serine/threonine kinase 11; plus strand). Cytogenetic location: 19p13.3.
Variant type: single nucleotide variant.
Coding change: c.206C>G on transcript NM_000455.5 (MANE Select); coding-DNA position 206, C replaced by G.
Protein change: p.Ser69Trp; replaces serine 69 with tryptophan.
Molecular consequence: missense variant.
Genome position (GRCh38, 1-based): chr19:1,207,119, C>G. VCF-style: chr19-1207119-C-G. GRCh37 (hg19) VCF-style: chr19-1207118-C-G.
Other names: short protein forms S69W.
Identifiers: ClinVar variation 484998 (VCV000484998.16), dbSNP rs1473347455, ClinGen allele CA402944323.
Genomic context (GRCh38, chr19:1,207,119, plus strand): 5'-ACCTGATGGGGGACCTGCTGGGGGAAGGCTCTTACGGCAAGGTGAAGGAGGTGCTGGACT[C>G]GGAGACGCTGTGCAGGAGGGCCGTCAAGATCCTCAAGAAGAAGAAGTTGCGAAGGATCCC-3'
Protein context (NP_000446.1, residues 59-79): SYGKVKEVLD[Ser69Trp]ETLCRRAVKI